The following is an entry in ClinVar:

ClinVar aggregate classification (germline): Uncertain significance (1 of 4 stars; one submission).

Submission:

GeneDx
Classification: Uncertain significance. Last evaluated: 2024-12-02. Review status: criteria provided, single submitter. Criteria: GeneDx Variant Classification Process June 2021. Collection method: clinical testing. Allele origin: germline. Affected: yes.
Comment: Not observed at significant frequency in large population cohorts (gnomAD); In silico analysis supports that this missense variant has a deleterious effect on protein structure/function; Has not been previously published as pathogenic or benign to our knowledge

NM_001042603.3(KDM5A):c.3803A>T (p.Glu1268Val)

Genes: KDM5A (lysine demethylase 5A; minus strand), LOC126861410 (BRD4-independent group 4 enhancer GRCh37_chr12:415875-417074; plus strand). Cytogenetic location: 12p13.33.
Variant type: single nucleotide variant.
Coding change: c.3803A>T on transcript NM_001042603.3 (MANE Select); coding-DNA position 3803, A replaced by T.
Protein change: p.Glu1268Val; replaces glutamic acid 1268 with valine.
Molecular consequence: missense variant.
Genome position (GRCh38, 1-based): chr12:307,581, T>A on the plus strand (A>T on the coding strand, the complement: KDM5A is on the minus strand). VCF-style: chr12-307581-T-A. GRCh37 (hg19) VCF-style: chr12-416747-T-A.
Other names: short protein forms E1268V.
Identifiers: ClinVar variation 3900924 (VCV003900924.1).